The following is an entry in ClinVar:

NM_017777.4(MKS1):c.1095+10A>G

Gene: MKS1 (MKS transition zone complex subunit 1; minus strand). Cytogenetic location: 17q22.
Variant type: single nucleotide variant.
Coding change: c.1095+10A>G on transcript NM_017777.4 (MANE Select); 10 bases into the intron after coding-DNA position 1095, A replaced by G.
Molecular consequence: intron variant.
Genome position (GRCh38, 1-based): chr17:58,208,503, T>C on the plus strand (A>G on the coding strand, the complement: MKS1 is on the minus strand). VCF-style: chr17-58208503-T-C. GRCh37 (hg19) VCF-style: chr17-56285864-T-C.
Other names: c.1095+10A>G (NM_017777.3, NM_001330397.2, NM_001321269.2); c.486+10A>G (NM_001321268.2).
Identifiers: ClinVar variation 2064905 (VCV002064905.6), dbSNP rs1968669569, ClinGen allele CA2267603023.
Genomic context (GRCh38, chr17:58,208,503, plus strand): 5'-ATAAAACCTCAAATGCCATCCCAGGAGCAGATCTCATTCCCTTCCAGATACCCGCTCTCA[T>C]TCTCCATACCATTGCCAGGGACTTGGTGGTGCAGGTCTGTGTTACTCCTGAGAGCTGCTG-3'

ClinVar aggregate classification (germline): Likely benign. Review status: criteria provided, single submitter (1 of 4 stars). 2 submissions from 2 submitters: Likely benign (1). 1 of the submissions does not count toward it. Last evaluated 2025-05-27.

Conditions:
MKS1-related disorder. Also called: MKS1-related condition; MKS1-related disorders. Identifiers: MedGen CN239382.
Meckel-Gruber syndrome. Also called: Dysencephalia splachnocystica; DYSENCEPHALIA SPLANCHNOCYSTICA; GRUBER SYNDROME. Identifiers: Orphanet 564, MedGen C0265215, MONDO:0018921.
Joubert syndrome. Also called: Familial aplasia of the vermis; JOUBERT-BOLTSHAUSER SYNDROME. Identifiers: Orphanet 475, MedGen C5979921, MONDO:0018772.

Allele frequency attached by ClinVar (database versions not stated): TOPMed below 0.00001.

Submissions (2):

Labcorp Genetics (formerly Invitae), Labcorp
Classification: Likely benign for Joubert syndrome; Meckel-Gruber syndrome. Last evaluated: 2025-05-27. Review status: criteria provided, single submitter. Criteria: Invitae Variant Classification Sherloc (09022015). Collection method: clinical testing. Allele origin: germline.

PreventionGenetics, part of Exact Sciences
Classification: Likely benign for MKS1-related condition. Last evaluated: 2023-01-28. Review status: no assertion criteria provided. Collection method: clinical testing. Allele origin: germline. Not counted in ClinVar's aggregate classification.
Comment: This variant is classified as likely benign based on ACMG/AMP sequence variant interpretation guidelines (Richards et al. 2015 PMID: 25741868, with internal and published modifications).